The following is an entry in ClinVar:

NM_005219.5(DIAPH1):c.89del (p.Gly30fs)

Gene: DIAPH1 (diaphanous related formin 1; minus strand). Cytogenetic location: 5q31.3.
Variant type: Deletion.
Coding change: c.89del on transcript NM_005219.5 (MANE Select); coding-DNA position 89, one base deleted (G; older notation c.89delG).
Protein change: p.Gly30fs; shifts the reading frame from glycine 30.
Molecular consequence: frameshift variant.
Genome position (GRCh38, 1-based): chr5:141,618,826, C deleted on the plus strand (G on the coding strand, the reverse complement: DIAPH1 is on the minus strand); the first of 3 consecutive C bases (chr5:141,618,826-141,618,828); deleting any one gives the same sequence. VCF-style (leftmost placement, unchanged base first): chr5-141618825-GC-G. GRCh37 (hg19) VCF-style: chr5-140998392-GC-G.
Other names: c.89del, p.Gly30fs (NM_001079812.3, NM_001314007.2); short protein forms G30fs.
Identifiers: ClinVar variation 2953190 (VCV002953190.3), dbSNP rs2513850974, ClinGen allele CA2740094122.

ClinVar aggregate classification (germline): Pathogenic (1 of 4 stars; one submission).

Conditions:
Autosomal dominant nonsyndromic hearing loss 1. Also called: DEAFNESS, AUTOSOMAL DOMINANT 1, WITH OR WITHOUT THROMBOCYTOPENIA; KONIGSMARK SYNDROME. Identifiers: Orphanet 90635, MedGen C1852282, MONDO:0007424, OMIM 124900.
Progressive microcephaly-seizures-cortical blindness-developmental delay syndrome. Also called: Seizures, cortical blindness, and microcephaly syndrome. Identifiers: Orphanet 477814, MedGen C5567650, MONDO:0014714, OMIM 616632.

Submission:

Labcorp Genetics (formerly Invitae), Labcorp
Classification: Pathogenic for Progressive microcephaly-seizures-cortical blindness-developmental delay syndrome; Autosomal dominant nonsyndromic hearing loss 1. Last evaluated: 2023-10-22. Review status: criteria provided, single submitter. Criteria: Invitae Variant Classification Sherloc (09022015). Collection method: clinical testing. Allele origin: germline.
Comment: This sequence change creates a premature translational stop signal (p.Gly30Alafs*12) in the DIAPH1 gene. It is expected to result in an absent or disrupted protein product. Loss-of-function variants in DIAPH1 are known to be pathogenic (PMID: 24781755, 26463574). This variant is not present in population databases (gnomAD no frequency). This variant has not been reported in the literature in individuals affected with DIAPH1-related conditions. For these reasons, this variant has been classified as Pathogenic.

Literature cited by the submitters: PubMed 24781755; PubMed 26463574.